The following is an entry in ClinVar:

NM_000311.5(PRNP):c.228C>T (p.Pro76=)

Gene: PRNP (prion protein (Kanno blood group); plus strand). Cytogenetic location: 20p13.
Variant type: single nucleotide variant.
Coding change: c.228C>T on transcript NM_000311.5 (MANE Select); coding-DNA position 228, C replaced by T.
Protein change: p.Pro76=; no amino-acid change (proline 76 retained).
Molecular consequence: synonymous variant. On other transcripts: missense variant (1).
Genome position (GRCh38, 1-based): chr20:4,699,448, C>T. VCF-style: chr20-4699448-C-T. GRCh37 (hg19) VCF-style: chr20-4680094-C-T.
Other names: c.228C>T, p.Pro76= (NM_001080121.3, NM_001080122.3, NM_001080123.3 and 1 more transcripts); c.139C>T, p.Pro47Ser (NM_001271561.3); short protein forms P47S.
Identifiers: ClinVar variation 218578 (VCV000218578.13), dbSNP rs112637437, ClinGen allele CA249095.

ClinVar aggregate classification (germline): Benign/Likely benign. Review status: criteria provided, multiple submitters, no conflicts (2 of 4 stars). 4 submissions from 4 submitters: Benign (2); Likely benign (2). Last evaluated 2020-08-14.

Conditions:
Inherited prion disease. Identifiers: Orphanet 280400, MedGen C5679775, MONDO:0017234.
Huntington disease-like 1 (HDL1). Also called: PRION DISEASE, EARLY-ONSET, WITH PROMINENT PSYCHIATRIC FEATURES; HUNTINGTON-LIKE NEURODEGENERATIVE DISORDER 1; HUNTINGTON-LIKE NEURODEGENERATIVE DISORDER, AUTOSOMAL DOMINANT. Identifiers: Orphanet 157941, MedGen C1864112, MONDO:0011299, OMIM 603218.

Allele frequency attached by ClinVar (database versions not stated): gnomAD 0.00005 and 0.00006; ExAC 0.00009; gnomAD exomes 0.00012 and 0.00013; ESP Exome Variant Server 0.00270; 1000 Genomes Project 0.05252.
gnomAD v4.1: 196 of 1,608,980 alleles (0.012%); highest among the groups gnomAD compares: South Asian, 0.072%; 2 homozygotes.

Submissions (4):

Labcorp Genetics (formerly Invitae), Labcorp
Classification: Likely benign for Huntington disease-like 1. Last evaluated: 2020-08-14. Review status: criteria provided, single submitter. Criteria: Invitae Variant Classification Sherloc (09022015). Collection method: clinical testing. Allele origin: germline.

Illumina Laboratory Services, Illumina
Classification: Benign for Genetic prion diseases. Last evaluated: 2018-01-13. Review status: criteria provided, single submitter. Criteria: ICSL Variant Classification Criteria 13 December 2019. Collection method: clinical testing. Allele origin: germline.
Comment: This variant was observed in the ICSL laboratory as part of a predisposition screen in an ostensibly healthy population. It had not been previously curated by ICSL or reported in the Human Gene Mutation Database (HGMD: prior to June 1st, 2018), and was therefore a candidate for classification through an automated scoring system. Utilizing variant allele frequency, disease prevalence and penetrance estimates, and inheritance mode, an automated score was calculated to assess if this variant is too frequent to cause the disease. Based on the score and internal cut-off values, a variant classified as benign is not then subjected to further curation. The score for this variant resulted in a classification of benign for this disease.

Genomic Diagnostic Laboratory, Division of Genomic Diagnostics, Children's Hospital of Philadelphia
Classification: Benign. Last evaluated: 2015-04-17. Review status: criteria provided, single submitter. Criteria: DGD Variant Analysis Guidelines. Collection method: clinical testing. Allele origin: unknown.

Breakthrough Genomics
Classification: Likely benign. Review status: criteria provided, single submitter. Criteria: ACMG Guidelines, 2015. Collection method: not provided. Allele origin: germline. Inheritance: Autosomal dominant inheritance. Affected: yes.